The following is an entry in ClinVar:

NM_006516.4(SLC2A1):c.19-1G>A

Gene: SLC2A1 (solute carrier family 2 member 1; minus strand). Cytogenetic location: 1p34.2.
Variant type: single nucleotide variant.
Coding change: c.19-1G>A on transcript NM_006516.4 (MANE Select); the canonical splice acceptor site of the intron before coding-DNA position 19, G replaced by A.
Molecular consequence: splice acceptor variant.
Genome position (GRCh38, 1-based): chr1:42,943,322, C>T on the plus strand (G>A on the coding strand, the complement: SLC2A1 is on the minus strand). VCF-style: chr1-42943322-C-T. GRCh37 (hg19) VCF-style: chr1-43408993-C-T.
Identifiers: ClinVar variation 3035337 (VCV003035337.3), dbSNP rs2525035112, ClinGen allele CA339964926.

ClinVar aggregate classification (germline): Likely pathogenic (1 of 4 stars; one submission).

Conditions:
SLC2A1-related disorder. Also called: SLC2A1-related condition; SLC2A1-related disorders.

Submission:

PreventionGenetics, part of Exact Sciences
Classification: Likely pathogenic for SLC2A1-related condition. Last evaluated: 2026-09-25. Review status: criteria provided, single submitter. Criteria: ACMG Guidelines, 2015. Collection method: clinical testing. Allele origin: germline.
Comment: The SLC2A1 c.19-1G>A variant is predicted to disrupt the AG splice acceptor site and interfere with normal splicing. To our knowledge, this variant has not been reported in the literature or in a large population database (gnomAD), indicating this variant is rare. A different splicing change at this exon/intron boundary (c.19-2A>G) was previously reported as de novo in an individual with suspected West syndrome (Ream et al. 2014. PubMed ID: 25108116). Variants that disrupt the consensus splice acceptor site in SLC2A1 are expected to be pathogenic. This variant is interpreted as likely pathogenic.